The following is an entry in ClinVar:

NM_000533.5(PLP1):c.259C>T (p.Leu87=)

Genes: PLP1 (proteolipid protein 1; plus strand), RAB9B (RAB9B, member RAS oncogene family; minus strand). Cytogenetic location: Xq22.2.
Variant type: single nucleotide variant.
Coding change: c.259C>T on transcript NM_000533.5 (MANE Select); coding-DNA position 259, C replaced by T.
Protein change: p.Leu87=; no amino-acid change (leucine 87 retained).
Molecular consequence: synonymous variant.
Genome position (GRCh38, 1-based): chrX:103,786,532, C>T. VCF-style: chrX-103786532-C-T. GRCh37 (hg19) VCF-style: chrX-103041461-C-T.
Other names: c.259C>T (NM_000533.4); c.259C>T, p.Leu87= (NM_001128834.3, NM_199478.3); c.94C>T, p.Leu32= (NM_001305004.1).
Identifiers: ClinVar variation 2910315 (VCV002910315.5), dbSNP rs758372406, ClinGen allele CA10478947.
Genomic context (GRCh38, chrX:103,786,532, plus strand): 5'-GCCTTCCAGTATGTCATCTATGGAACTGCCTCTTTCTTCTTCCTTTATGGGGCCCTCCTG[C>T]TGGCTGAGGGCTTCTACACCACCGGCGCAGTCAGGCAGATCTTTGGCGACTACAAGACCA-3'
Protein context (NP_000524.3, residues 77-97): SFFFLYGALL[Leu87=]AEGFYTTGAV

ClinVar aggregate classification (germline): Likely benign. Review status: criteria provided, single submitter (1 of 4 stars). 2 submissions from 2 submitters: Likely benign (1). 1 of the submissions does not count toward it. Last evaluated 2023-07-17.

Conditions:
PLP1-related disorder. Also called: PLP1-Related Disorders; PLP1-related condition. Identifiers: MedGen CN378767.
Hereditary spastic paraplegia 2 (SPG2). Also called: Spastic Paraplegia 2 (SPG2); SPASTIC PARAPLEGIA 2, X-LINKED. Identifiers: Orphanet 99015, MedGen C0751604, MONDO:0010733, OMIM 312920.

Allele frequency attached by ClinVar (database versions not stated): ExAC 0.00001; gnomAD exomes 0.00001.
gnomAD v4.1: 8 of 1,210,790 alleles (0.00066%); highest among the groups gnomAD compares: Non-Finnish European, 0.00078%; no homozygotes.

Submissions (2):

Labcorp Genetics (formerly Invitae), Labcorp
Classification: Likely benign for Hereditary spastic paraplegia 2. Last evaluated: 2023-07-17. Review status: criteria provided, single submitter. Criteria: Invitae Variant Classification Sherloc (09022015). Collection method: clinical testing. Allele origin: germline.

PreventionGenetics, part of Exact Sciences
Classification: Likely benign for PLP1-related condition. Last evaluated: 2022-05-05. Review status: no assertion criteria provided. Collection method: clinical testing. Allele origin: germline. Not counted in ClinVar's aggregate classification.
Comment: This variant is classified as likely benign based on ACMG/AMP sequence variant interpretation guidelines (Richards et al. 2015 PMID: 25741868, with internal and published modifications).